The following is an entry in ClinVar:

ClinVar aggregate classification (germline): Uncertain significance. Review status: criteria provided, single submitter (1 of 4 stars). 2 submissions from 2 submitters: Uncertain significance (1). 1 of the submissions does not count toward it. Last evaluated 2025-04-30.

Conditions:
Inborn genetic diseases. Identifiers: MedGen C0950123, MeSH D030342.
MASP1-related disorder. Also called: MASP1-related condition.

gnomAD v4.1: 28 of 1,614,060 alleles (0.0017%); highest among the groups gnomAD compares: African/African-American, 0.017%; no homozygotes.

Submissions (2):

Ambry Genetics
Classification: Uncertain significance for Inborn genetic diseases. Last evaluated: 2025-04-30. Review status: criteria provided, single submitter. Criteria: Ambry Variant Classification Scheme 2023. Collection method: clinical testing. Allele origin: germline.

PreventionGenetics, part of Exact Sciences
Classification: Uncertain significance for MASP1-related condition. Last evaluated: 2024-07-22. Review status: no assertion criteria provided. Collection method: clinical testing. Allele origin: germline. Not counted in ClinVar's aggregate classification.
Comment: The MASP1 c.1886T>C variant is predicted to result in the amino acid substitution p.Met629Thr. To our knowledge, this variant has not been reported in the literature. This variant is reported in 0.012% of alleles in individuals of African descent in gnomAD. At this time, the clinical significance of this variant is uncertain due to the absence of conclusive functional and genetic evidence.

NM_001879.6(MASP1):c.1886T>C (p.Met629Thr)

Gene: MASP1 (MBL associated serine protease 1; minus strand). Cytogenetic location: 3q27.3.
Variant type: single nucleotide variant.
Coding change: c.1886T>C on transcript NM_001879.6 (MANE Plus Clinical); coding-DNA position 1886, T replaced by C.
Protein change: p.Met629Thr; replaces methionine 629 with threonine.
Molecular consequence: missense variant.
Genome position (GRCh38, 1-based): chr3:187,221,058, A>G on the plus strand (T>C on the coding strand, the complement: MASP1 is on the minus strand). VCF-style: chr3-187221058-A-G. GRCh37 (hg19) VCF-style: chr3-186938846-A-G.
Other names: short protein forms M629T.
Identifiers: ClinVar variation 3358021 (VCV003358021.2).
Genomic context (GRCh38, chr3:187,221,058, plus strand): 5'-GGCAGCGCCCCTGTTGTATGCCAGCCTCTTAACCCACCTTCCTTCTCCCCAGCACAGATC[A>G]TGTCCCTGGTCACTTTCTTCTTCAGCGGGGCATAAGCCTTCTGGCAGGTGCTGTGGTCAA-3'
Protein context (NP_001870.3, residues 619-639): APLKKKVTRD[Met629Thr]ICAGEKEGGK